The following is an entry in ClinVar:

NM_005529.7(HSPG2):c.6622G>A (p.Val2208Met)

Genes: HSPG2 (heparan sulfate proteoglycan 2; minus strand), LOC126805655 (CDK7 strongly-dependent group 2 enhancer GRCh37_chr1:22178409-22179608; plus strand). Cytogenetic location: 1p36.12.
Variant type: single nucleotide variant.
Coding change: c.6622G>A on transcript NM_005529.7 (MANE Select); coding-DNA position 6622, G replaced by A.
Protein change: p.Val2208Met; replaces valine 2208 with methionine.
Molecular consequence: missense variant.
Genome position (GRCh38, 1-based): chr1:21,852,802, C>T on the plus strand (G>A on the coding strand, the complement: HSPG2 is on the minus strand). VCF-style: chr1-21852802-C-T. GRCh37 (hg19) VCF-style: chr1-22179295-C-T.
Other names: c.6625G>A, p.Val2209Met (NM_001291860.2); c.6622G>A (NM_005529.5); short protein forms V2209M, V2208M.
Identifiers: ClinVar variation 1506718 (VCV001506718.9), dbSNP rs1197936961, ClinGen allele CA338929583.

ClinVar aggregate classification (germline): Uncertain significance. Review status: criteria provided, multiple submitters, no conflicts (2 of 4 stars). 2 submissions from 2 submitters: Uncertain significance (2). Last evaluated 2025-02-10.

gnomAD v4.1: 7 of 1,612,840 alleles (0.00043%); highest among the groups gnomAD compares: Admixed American, 0.01%; no homozygotes.

Submissions (2):

GeneDx
Classification: Uncertain significance. Last evaluated: 2025-02-10. Review status: criteria provided, single submitter. Criteria: GeneDx Variant Classification Process June 2021. Collection method: clinical testing. Allele origin: germline. Affected: yes.
Comment: Not observed at significant frequency in large population cohorts (gnomAD); In silico analysis indicates that this missense variant does not alter protein structure/function; Has not been previously published as pathogenic or benign to our knowledge

Labcorp Genetics (formerly Invitae), Labcorp
Classification: Uncertain significance. Last evaluated: 2024-10-07. Review status: criteria provided, single submitter. Criteria: Invitae Variant Classification Sherloc (09022015). Collection method: clinical testing. Allele origin: germline.
Comment: This sequence change replaces valine, which is neutral and non-polar, with methionine, which is neutral and non-polar, at codon 2208 of the HSPG2 protein (p.Val2208Met). This variant is present in population databases (no rsID available, gnomAD 0.003%). This variant has not been reported in the literature in individuals affected with HSPG2-related conditions. ClinVar contains an entry for this variant (Variation ID: 1506718). An algorithm developed to predict the effect of missense changes on protein structure and function (PolyPhen-2) suggests that this variant is likely to be disruptive. In summary, the available evidence is currently insufficient to determine the role of this variant in disease. Therefore, it has been classified as a Variant of Uncertain Significance.